The following is an entry in ClinVar:

NM_024596.5(MCPH1):c.759A>G (p.Gly253=)

Gene: MCPH1 (microcephalin 1; plus strand). Cytogenetic location: 8p23.1.
Variant type: single nucleotide variant.
Coding change: c.759A>G on transcript NM_024596.5 (MANE Select); coding-DNA position 759, A replaced by G.
Protein change: p.Gly253=; no amino-acid change (glycine 253 retained).
Molecular consequence: synonymous variant. On other transcripts: non-coding transcript variant (1).
Genome position (GRCh38, 1-based): chr8:6,444,481, A>G. VCF-style: chr8-6444481-A-G. GRCh37 (hg19) VCF-style: chr8-6302002-A-G.
Other names: c.759A>G, p.Gly253= (NM_001172574.2, NM_001322042.2, NM_001363979.1 and 3 more transcripts); c.615A>G, p.Gly205= (NM_001172575.2); c.753A>G, p.Gly251= (NM_001322043.2); c.657A>G, p.Gly219= (NM_001322045.2).
Identifiers: ClinVar variation 2891081 (VCV002891081.10), dbSNP rs778315289, ClinGen allele CA4610372.

ClinVar aggregate classification (germline): Likely benign. Review status: criteria provided, multiple submitters, no conflicts (2 of 4 stars). 3 submissions from 3 submitters: Likely benign (3). Last evaluated 2026-01-17.

Allele frequency attached by ClinVar (database versions not stated): TOPMed 0.00001; gnomAD 0.00004; gnomAD exomes 0.00007; ExAC 0.00019.
gnomAD v4.1: 108 of 1,614,078 alleles (0.0067%); highest among the groups gnomAD compares: South Asian, 0.11%; 2 homozygotes.

Submissions (3):

Labcorp Genetics (formerly Invitae), Labcorp
Classification: Likely benign. Last evaluated: 2026-01-17. Review status: criteria provided, single submitter. Criteria: Invitae Variant Classification Sherloc (09022015). Collection method: clinical testing. Allele origin: germline.

CeGaT Center for Human Genetics Tuebingen
Classification: Likely benign. Last evaluated: 2025-11-01. Review status: criteria provided, single submitter. Criteria: CeGaT Center For Human Genetics Tuebingen Variant Classification Criteria Version 2. Collection method: clinical testing. Allele origin: germline. Affected: yes. Observed: 1 variant allele.
Comment: MCPH1: BP4, BP7

Blueprint Genetics
Classification: Likely benign. Last evaluated: 2024-07-08. Review status: criteria provided, single submitter. Criteria: ACMG Guidelines, 2015. Collection method: clinical testing. Allele origin: germline.